The following is an entry in ClinVar:

NM_005585.5(SMAD6):c.1216G>A (p.Gly406Ser)

Gene: SMAD6 (SMAD family member 6; plus strand). Cytogenetic location: 15q22.31.
Variant type: single nucleotide variant.
Coding change: c.1216G>A on transcript NM_005585.5 (MANE Select); coding-DNA position 1216, G replaced by A.
Protein change: p.Gly406Ser; replaces glycine 406 with serine.
Molecular consequence: missense variant. On other transcripts: non-coding transcript variant (1).
Genome position (GRCh38, 1-based): chr15:66,781,260, G>A. VCF-style: chr15-66781260-G-A. GRCh37 (hg19) VCF-style: chr15-67073598-G-A.
Other names: short protein forms G406S.
Identifiers: ClinVar variation 2721002 (VCV002721002.3), dbSNP rs539298543, ClinGen allele CA7626753.
Genomic context (GRCh38, chr15:66,781,260, plus strand): 5'-AAGATCGGCTTCGGCATCCTGCTCAGCAAGGAGCCCGACGGCGTGTGGGCCTACAACCGC[G>A]GCGAGCACCCCATCTTCGTCAACTCCCCGACGCTGGACGCGCCCGGCGGCCGCGCCCTGG-3'
Protein context (NP_005576.3, residues 396-416): EPDGVWAYNR[Gly406Ser]EHPIFVNSPT

ClinVar aggregate classification (germline): Uncertain significance (1 of 4 stars; one submission).

Conditions:
Aortic valve disease 2 (AOVD2). Identifiers: MedGen C3542024, MONDO:0013902, OMIM 614823.

Allele frequency attached by ClinVar (database versions not stated): ExAC 0.00001; gnomAD 0.00001; 1000 Genomes Project 30x 0.00016; 1000 Genomes Project 0.00020.
gnomAD v4.1: 6 of 1,607,974 alleles (0.00037%); highest among the groups gnomAD compares: South Asian, 0.0044%; no homozygotes.

Submission:

Labcorp Genetics (formerly Invitae), Labcorp
Classification: Uncertain significance for Aortic valve disease 2. Last evaluated: 2023-05-19. Review status: criteria provided, single submitter. Criteria: Invitae Variant Classification Sherloc (09022015). Collection method: clinical testing. Allele origin: germline.
Comment: The frequency data for this variant in the population databases is considered unreliable, as metrics indicate poor data quality at this position in the gnomAD database. This sequence change replaces glycine, which is neutral and non-polar, with serine, which is neutral and polar, at codon 406 of the SMAD6 protein (p.Gly406Ser). This variant has not been reported in the literature in individuals affected with SMAD6-related conditions. In summary, the available evidence is currently insufficient to determine the role of this variant in disease. Therefore, it has been classified as a Variant of Uncertain Significance. Advanced modeling of protein sequence and biophysical properties (such as structural, functional, and spatial information, amino acid conservation, physicochemical variation, residue mobility, and thermodynamic stability) performed at Invitae indicates that this missense variant is not expected to disrupt SMAD6 protein function.